The following is an entry in ClinVar:

NM_002294.3(LAMP2):c.865-221A>T

Gene: LAMP2 (lysosomal associated membrane protein 2; minus strand). Cytogenetic location: Xq24.
Variant type: single nucleotide variant.
Coding change: c.865-221A>T on transcript NM_002294.3 (MANE Select); 221 bases into the intron before coding-DNA position 865, A replaced by T.
Molecular consequence: intron variant.
Genome position (GRCh38, 1-based): chrX:120,442,883, T>A on the plus strand (A>T on the coding strand, the complement: LAMP2 is on the minus strand). VCF-style: chrX-120442883-T-A. GRCh37 (hg19) VCF-style: chrX-119576738-T-A.
Other names: c.865-221A>T (NM_001122606.1, NM_013995.2).
Identifiers: ClinVar variation 677605 (VCV000677605.1), dbSNP rs56067154, ClinGen allele CA335013161.
Genomic context (GRCh38, chrX:120,442,883, plus strand): 5'-CTGACAGAAATCCCTTTCCTCTGTATTTTGTTTCCAACTTTTGGAGCACAGGTGTAGTCA[T>A]GTGGATCTCAGACACTTGAAGATTTATGGCCTCAATTTTATTCCTCCTGTCACTTGCTGA-3'

ClinVar aggregate classification (germline): Benign (1 of 4 stars; one submission).

Allele frequency attached by ClinVar (database versions not stated): gnomAD 0.05107 and 0.05475; 1000 Genomes Project 0.05166; 1000 Genomes Project 30x 0.05578; TOPMed 0.05964.
gnomAD v4.1: 5,658 of 111,784 alleles (5.1%); highest among the groups gnomAD compares: African/African-American, 17%; 373 homozygotes.

Submission:

GeneDx
Classification: Benign. Last evaluated: 2018-06-14. Review status: criteria provided, single submitter. Criteria: GeneDx Variant Classification (06012015). Collection method: clinical testing. Allele origin: germline. Affected: yes.
Comment: This variant is considered likely benign or benign based on one or more of the following criteria: it is a conservative change, it occurs at a poorly conserved position in the protein, it is predicted to be benign by multiple in silico algorithms, and/or has population frequency not consistent with disease.